The following is an entry in ClinVar:

ClinVar aggregate classification (germline): Uncertain significance (1 of 4 stars; one submission).

Conditions:
Dilated cardiomyopathy 1G (CMD1G). Identifiers: Orphanet 154, MedGen C1858763, MONDO:0011400, OMIM 604145.
Autosomal recessive limb-girdle muscular dystrophy type 2J (LGMDR10). Also called: Limb-girdle muscular dystrophy, type 2J; MUSCULAR DYSTROPHY, LIMB-GIRDLE, AUTOSOMAL RECESSIVE 10. Identifiers: Orphanet 140922, MedGen C1837342, MONDO:0012127, OMIM 608807.

Allele frequency attached by ClinVar (database versions not stated): gnomAD exomes below 0.00001; ExAC 0.00001.
gnomAD v4.1: 3 of 1,613,802 alleles (0.00019%); highest among the groups gnomAD compares: Non-Finnish European, 0.00017%; no homozygotes.

Submission:

Labcorp Genetics (formerly Invitae), Labcorp
Classification: Uncertain significance for Dilated cardiomyopathy 1G; Autosomal recessive limb-girdle muscular dystrophy type 2J. Last evaluated: 2023-08-27. Review status: criteria provided, single submitter. Criteria: Invitae Variant Classification Sherloc (09022015). Collection method: clinical testing. Allele origin: germline.
Comment: In summary, the available evidence is currently insufficient to determine the role of this variant in disease. Therefore, it has been classified as a Variant of Uncertain Significance. This variant is located in the M band of TTN (PMID: 25589632). Variants in this region may be relevant for neuromuscular disorders, but have not been definitively shown to cause cardiomyopathy (PMID: 23975875). Experimental studies and prediction algorithms are not available or were not evaluated, and the functional significance of this variant is currently unknown. This variant has not been reported in the literature in individuals affected with TTN-related conditions. This variant is present in population databases (rs772111069, gnomAD 0.006%). This sequence change replaces glutamic acid, which is acidic and polar, with aspartic acid, which is acidic and polar, at codon 34555 of the TTN protein (p.Glu34555Asp).

Literature cited by the submitters: PubMed 25589632; PubMed 23975875.

NM_001267550.2(TTN):c.103665A>C (p.Glu34555Asp)

Genes: TTN-AS1 (TTN antisense RNA 1; plus strand), TTN (titin; minus strand). Cytogenetic location: 2q31.2.
Variant type: single nucleotide variant.
Coding change: c.103665A>C on transcript NM_001267550.2 (MANE Select); coding-DNA position 103665, A replaced by C.
Protein change: p.Glu34555Asp; replaces glutamic acid 34555 with aspartic acid.
Molecular consequence: missense variant.
Genome position (GRCh38, 1-based): chr2:178,532,950, T>G on the plus strand (A>C on the coding strand, the complement: TTN is on the minus strand). VCF-style: chr2-178532950-T-G. GRCh37 (hg19) VCF-style: chr2-179397677-T-G.
Other names: c.98742A>C, p.Glu32914Asp (NM_001256850.1); c.76470A>C, p.Glu25490Asp (NM_003319.4); c.95961A>C, p.Glu31987Asp (NM_133378.4); c.76845A>C, p.Glu25615Asp (NM_133432.3); c.77046A>C, p.Glu25682Asp (NM_133437.4); short protein forms E34555D, E25682D, E32914D, E25490D, E25615D, E31987D.
Identifiers: ClinVar variation 2925466 (VCV002925466.3), dbSNP rs772111069, ClinGen allele CA1985566.